The following is an entry in ClinVar:

ClinVar aggregate classification (germline): Conflicting classifications of pathogenicity. Review status: criteria provided, conflicting classifications (1 of 4 stars). 3 submissions from 3 submitters: Uncertain significance (1); Likely benign (2). Last evaluated 2025-09-07.

Conditions:
Generalized epilepsy-paroxysmal dyskinesia syndrome (PNKD3). Also called: Generalized epilepsy and paroxysmal dyskinesia; Paroxysmal nonkinesigenic dyskinesia, 3, with or without generalized epilepsy. Identifiers: Orphanet 79137, MedGen C5574945, MONDO:0012276, OMIM 609446.

Allele frequency attached by ClinVar (database versions not stated): gnomAD 0.00001; ExAC 0.00002; gnomAD exomes 0.00002; TOPMed 0.00003.
gnomAD v4.1: 34 of 1,613,310 alleles (0.0021%); highest among the groups gnomAD compares: East Asian, 0.0045%; no homozygotes.

Submissions (3):

Labcorp Genetics (formerly Invitae), Labcorp
Classification: Likely benign for Generalized epilepsy-paroxysmal dyskinesia syndrome. Last evaluated: 2025-09-07. Review status: criteria provided, single submitter. Criteria: Invitae Variant Classification Sherloc (09022015). Collection method: clinical testing. Allele origin: germline.

CeGaT Center for Human Genetics Tuebingen
Classification: Likely benign. Last evaluated: 2025-06-01. Review status: criteria provided, single submitter. Criteria: CeGaT Center For Human Genetics Tuebingen Variant Classification Criteria Version 2. Collection method: clinical testing. Allele origin: germline. Affected: yes. Observed: 2 variant alleles.
Comment: KCNMA1: BP4, BP7

Eurofins Ntd Llc (ga)
Classification: Uncertain significance. Last evaluated: 2015-08-20. Review status: criteria provided, single submitter. Criteria: EGL Classification Definitions 2015. Collection method: clinical testing. Allele origin: germline. Observed: 1 variant allele, 1 heterozygote.

NM_001161352.2(KCNMA1):c.1305C>T (p.Asp435=)

Gene: KCNMA1 (potassium calcium-activated channel subfamily M alpha 1; minus strand). Cytogenetic location: 10q22.3.
Variant type: single nucleotide variant.
Coding change: c.1305C>T on transcript NM_001161352.2 (MANE Select); coding-DNA position 1305, C replaced by T.
Protein change: p.Asp435=; no amino-acid change (aspartic acid 435 retained).
Molecular consequence: synonymous variant.
Genome position (GRCh38, 1-based): chr10:77,090,429, G>A on the plus strand (C>T on the coding strand, the complement: KCNMA1 is on the minus strand). VCF-style: chr10-77090429-G-A. GRCh37 (hg19) VCF-style: chr10-78850187-G-A.
Other names: c.1305C>T, p.Asp435= (NM_001014797.3, NM_001161353.2, NM_001271519.2 and 7 more transcripts); c.1143C>T, p.Asp381= (NM_001271518.2); c.765C>T, p.Asp255= (NM_001322838.2).
Identifiers: ClinVar variation 282736 (VCV000282736.26), dbSNP rs201999021, ClinGen allele CA5568488.
Genomic context (GRCh38, chr10:77,090,429, plus strand): 5'-AGAGGGTCTGACAGCAGTAGGAAGCTCTTACTTGTGAAGAAAAACGATCTCCACATTGAC[G>A]TCATCCCGGTCCTTGTGCAGAAAGTCCTTCAGGAAGTTGGAAACACTCTCCAGAGTGATG-3'
Protein context (NP_001154824.1, residues 425-445): LKDFLHKDRD[Asp435=]VNVEIVFLHN